The following is an entry in ClinVar:

ClinVar aggregate classification (germline): Likely benign. Review status: criteria provided, multiple submitters, no conflicts (2 of 4 stars). 4 submissions from 4 submitters: Likely benign (4). Last evaluated 2025-11-01.

Conditions:
Kabuki syndrome. Also called: Kabuki make-up syndrome; NIIKAWA-KUROKI SYNDROME. Identifiers: Orphanet 2322, MedGen C0796004, MONDO:0016512.
Inborn genetic diseases. Identifiers: MedGen C0950123, MeSH D030342.

Allele frequency attached by ClinVar (database versions not stated): TOPMed 0.00001; gnomAD exomes 0.00002 and 0.00005; ExAC 0.00003.
gnomAD v4.1: 8 of 1,514,312 alleles (0.00053%); highest among the groups gnomAD compares: Admixed American, 0.016%; no homozygotes.

Submissions (4):

CeGaT Center for Human Genetics Tuebingen
Classification: Likely benign. Last evaluated: 2025-11-01. Review status: criteria provided, single submitter. Criteria: CeGaT Center For Human Genetics Tuebingen Variant Classification Criteria Version 2. Collection method: clinical testing. Allele origin: germline. Affected: yes. Observed: 1 variant allele.
Comment: KMT2D: BS1

Labcorp Genetics (formerly Invitae), Labcorp
Classification: Likely benign for Kabuki syndrome. Last evaluated: 2025-06-18. Review status: criteria provided, single submitter. Criteria: Invitae Variant Classification Sherloc (09022015). Collection method: clinical testing. Allele origin: germline.

Ambry Genetics
Classification: Likely benign for Inborn genetic diseases. Last evaluated: 2025-05-06. Review status: criteria provided, single submitter. Criteria: Ambry Variant Classification Scheme 2023. Collection method: clinical testing. Allele origin: germline.

Breakthrough Genomics
Classification: Likely benign. Review status: criteria provided, single submitter. Criteria: ACMG Guidelines, 2015. Collection method: not provided. Allele origin: germline. Inheritance: Autosomal dominant inheritance. Affected: yes.

NM_003482.4(KMT2D):c.6524A>G (p.Asp2175Gly)

Gene: KMT2D (lysine methyltransferase 2D; minus strand). Cytogenetic location: 12q13.12.
Variant type: single nucleotide variant.
Coding change: c.6524A>G on transcript NM_003482.4 (MANE Select); coding-DNA position 6524, A replaced by G.
Protein change: p.Asp2175Gly; replaces aspartic acid 2175 with glycine.
Molecular consequence: missense variant.
Genome position (GRCh38, 1-based): chr12:49,041,246, T>C on the plus strand (A>G on the coding strand, the complement: KMT2D is on the minus strand). VCF-style: chr12-49041246-T-C. GRCh37 (hg19) VCF-style: chr12-49435029-T-C.
Other names: short protein forms D2175G.
Identifiers: ClinVar variation 833814 (VCV000833814.15), dbSNP rs766647683, ClinGen allele CA6547244.